The following is an entry in ClinVar:

ClinVar aggregate classification (germline): Uncertain significance (1 of 4 stars; one submission).

Conditions:
Dilated cardiomyopathy 1G (CMD1G). Identifiers: Orphanet 154, MedGen C1858763, MONDO:0011400, OMIM 604145.
Autosomal recessive limb-girdle muscular dystrophy type 2J (LGMDR10). Also called: Limb-girdle muscular dystrophy, type 2J; MUSCULAR DYSTROPHY, LIMB-GIRDLE, AUTOSOMAL RECESSIVE 10. Identifiers: Orphanet 140922, MedGen C1837342, MONDO:0012127, OMIM 608807.

Allele frequency attached by ClinVar (database versions not stated): gnomAD exomes below 0.00001.
gnomAD v4.1: 1 of 1,613,538 alleles (0.000062%); highest among the groups gnomAD compares: Non-Finnish European, 0.000085%; no homozygotes.

Submission:

Labcorp Genetics (formerly Invitae), Labcorp
Classification: Uncertain significance for Dilated cardiomyopathy 1G; Autosomal recessive limb-girdle muscular dystrophy type 2J. Last evaluated: 2023-10-18. Review status: criteria provided, single submitter. Criteria: Invitae Variant Classification Sherloc (09022015). Collection method: clinical testing. Allele origin: germline.
Comment: This sequence change replaces leucine, which is neutral and non-polar, with phenylalanine, which is neutral and non-polar, at codon 33878 of the TTN protein (p.Leu33878Phe). This variant is not present in population databases (gnomAD no frequency). This variant has not been reported in the literature in individuals affected with TTN-related conditions. Experimental studies and prediction algorithms are not available or were not evaluated, and the functional significance of this variant is currently unknown. This variant is located in the M band of TTN (PMID: 25589632). Variants in this region may be relevant for neuromuscular disorders, but have not been definitively shown to cause cardiomyopathy (PMID: 23975875). In summary, the available evidence is currently insufficient to determine the role of this variant in disease. Therefore, it has been classified as a Variant of Uncertain Significance.

Literature cited by the submitters: PubMed 25589632; PubMed 23975875.

NM_001267550.2(TTN):c.101632C>T (p.Leu33878Phe)

Genes: TTN-AS1 (TTN antisense RNA 1; plus strand), TTN (titin; minus strand). Cytogenetic location: 2q31.2.
Variant type: single nucleotide variant.
Coding change: c.101632C>T on transcript NM_001267550.2 (MANE Select); coding-DNA position 101632, C replaced by T.
Protein change: p.Leu33878Phe; replaces leucine 33878 with phenylalanine.
Molecular consequence: missense variant.
Genome position (GRCh38, 1-based): chr2:178,534,983, G>A on the plus strand (C>T on the coding strand, the complement: TTN is on the minus strand). VCF-style: chr2-178534983-G-A. GRCh37 (hg19) VCF-style: chr2-179399710-G-A.
Other names: c.96709C>T, p.Leu32237Phe (NM_001256850.1); c.74437C>T, p.Leu24813Phe (NM_003319.4); c.93928C>T, p.Leu31310Phe (NM_133378.4); c.74812C>T, p.Leu24938Phe (NM_133432.3); c.75013C>T, p.Leu25005Phe (NM_133437.4); short protein forms L24938F, L31310F, L25005F, L32237F, L33878F, L24813F.
Identifiers: ClinVar variation 2935099 (VCV002935099.3), dbSNP rs1235957959, ClinGen allele CA349420129.